The following is an entry in ClinVar:

ClinVar aggregate classification (germline): Uncertain significance. Review status: criteria provided, multiple submitters, no conflicts (2 of 4 stars). 2 submissions from 2 submitters: Uncertain significance (2). Last evaluated 2026-02-15.

Conditions:
Inborn genetic diseases. Identifiers: MedGen C0950123, MeSH D030342.
Baller-Gerold syndrome (BGS). Also called: CRANIOSYNOSTOSIS WITH RADIAL DEFECTS. Identifiers: Orphanet 1225, MedGen C0265308, MONDO:0009039, OMIM 218600.

Allele frequency attached by ClinVar (database versions not stated): gnomAD 0.00001; ExAC 0.00002.
gnomAD v4.1: 6 of 1,609,690 alleles (0.00037%); highest among the groups gnomAD compares: Non-Finnish European, 0.00051%; no homozygotes.

Submissions (2):

Ambry Genetics
Classification: Uncertain significance for Inborn genetic diseases. Last evaluated: 2026-02-15. Review status: criteria provided, single submitter. Criteria: Ambry Variant Classification Scheme 2023. Collection method: clinical testing. Allele origin: germline.
Comment: The p.A743V variant (also known as c.2228C>T), located in coding exon 14 of the RECQL4 gene, results from a C to T substitution at nucleotide position 2228. The alanine at codon 743 is replaced by valine, an amino acid with similar properties. This amino acid position is conserved. In addition, the in silico prediction for this alteration is inconclusive. Based on the available evidence, the clinical significance of this variant remains unclear.

Labcorp Genetics (formerly Invitae), Labcorp
Classification: Uncertain significance for Baller-Gerold syndrome. Last evaluated: 2022-11-22. Review status: criteria provided, single submitter. Criteria: Invitae Variant Classification Sherloc (09022015). Collection method: clinical testing. Allele origin: germline.
Comment: This sequence change replaces alanine, which is neutral and non-polar, with valine, which is neutral and non-polar, at codon 743 of the RECQL4 protein (p.Ala743Val). This variant is present in population databases (rs781675349, gnomAD 0.002%). This variant has not been reported in the literature in individuals affected with RECQL4-related conditions. Advanced modeling of protein sequence and biophysical properties (such as structural, functional, and spatial information, amino acid conservation, physicochemical variation, residue mobility, and thermodynamic stability) has been performed at Invitae for this missense variant, however the output from this modeling did not meet the statistical confidence thresholds required to predict the impact of this variant on RECQL4 protein function. In summary, the available evidence is currently insufficient to determine the role of this variant in disease. Therefore, it has been classified as a Variant of Uncertain Significance.

NM_004260.4(RECQL4):c.2228C>T (p.Ala743Val)

Gene: RECQL4 (RecQ like helicase 4; minus strand). Cytogenetic location: 8q24.3.
Variant type: single nucleotide variant.
Coding change: c.2228C>T on transcript NM_004260.4 (MANE Select); coding-DNA position 2228, C replaced by T.
Protein change: p.Ala743Val; replaces alanine 743 with valine.
Molecular consequence: missense variant. On other transcripts: non-coding transcript variant (3).
Genome position (GRCh38, 1-based): chr8:144,513,453, G>A on the plus strand (C>T on the coding strand, the complement: RECQL4 is on the minus strand). VCF-style: chr8-144513453-G-A. GRCh37 (hg19) VCF-style: chr8-145738837-G-A.
Other names: c.1157C>T, p.Ala386Val (NM_001413021.1, NM_001413022.1, NM_001413023.1 and 6 more transcripts); c.2099C>T, p.Ala700Val (NM_001413025.1); c.1091C>T, p.Ala364Val (NM_001413027.1, NM_001413030.1, NM_001413041.1 and 1 more transcripts); c.1877C>T, p.Ala626Val (NM_001413029.1); c.1127C>T, p.Ala376Val (NM_001413042.1); c.761C>T, p.Ala254Val (NM_001413043.1); c.2228C>T (NM_004260.3); c.2132C>T, p.Ala711Val (NM_001413017.1, NM_001413020.1); and 5 more; short protein forms A254V, A364V, A711V, A733V, A342V, A376V, A626V, A743V.
Identifiers: ClinVar variation 2801926 (VCV002801926.4), dbSNP rs781675349, ClinGen allele CA4948375.
Genomic context (GRCh38, chr8:144,513,453, plus strand): 5'-CCCTGCATGAAGGCTCGCTGTACCCGCCGCCGTTCCCGGCTGCACATGCCCGCGTGGTAG[G>A]CCTCGGCTGTGGTTTTGGGGGCACGACCTTTGGGGAAGACAGGCAGATGGTCAGTGGGAT-3'
Protein context (NP_004251.4, residues 733-753): GGRAPKTTAE[Ala743Val]YHAGMCSRER